The following is an entry in ClinVar:

NM_002103.5(GYS1):c.1069G>A (p.Gly357Ser)

Gene: GYS1 (glycogen synthase 1; minus strand). Cytogenetic location: 19q13.33.
Variant type: single nucleotide variant.
Coding change: c.1069G>A on transcript NM_002103.5 (MANE Select); coding-DNA position 1069, G replaced by A.
Protein change: p.Gly357Ser; replaces glycine 357 with serine.
Molecular consequence: missense variant. On other transcripts: non-coding transcript variant (1).
Genome position (GRCh38, 1-based): chr19:48,981,630, C>T on the plus strand (G>A on the coding strand, the complement: GYS1 is on the minus strand). VCF-style: chr19-48981630-C-T. GRCh37 (hg19) VCF-style: chr19-49484887-C-T.
Other names: c.877G>A, p.Gly293Ser (NM_001161587.2); short protein forms G293S, G357S.
Identifiers: ClinVar variation 4033231 (VCV004033231.2).

ClinVar aggregate classification (germline): Uncertain significance. Review status: criteria provided, multiple submitters, no conflicts (2 of 4 stars). 2 submissions from 2 submitters: Uncertain significance (2). Last evaluated 2025-09-07.

Conditions:
Glycogen storage disease due to muscle and heart glycogen synthase deficiency. Also called: GSD 0b; MUSCLE GLYCOGEN SYNTHASE DEFICIENCY. Identifiers: Orphanet 137625, MedGen C1969054, MONDO:0012693, OMIM 611556.
Inborn genetic diseases. Identifiers: MedGen C0950123, MeSH D030342.

Submissions (2):

Labcorp Genetics (formerly Invitae), Labcorp
Classification: Uncertain significance for Glycogen storage disease due to muscle and heart glycogen synthase deficiency. Last evaluated: 2025-09-07. Review status: criteria provided, single submitter. Criteria: Invitae Variant Classification Sherloc (09022015). Collection method: clinical testing. Allele origin: germline.
Comment: This sequence change replaces glycine, which is neutral and non-polar, with serine, which is neutral and polar, at codon 357 of the GYS1 protein (p.Gly357Ser). This variant is present in population databases (rs146437672, gnomAD 0.007%). This variant has not been reported in the literature in individuals affected with GYS1-related conditions. ClinVar contains an entry for this variant (Variation ID: 4033231). Invitae Evidence Modeling of protein sequence and biophysical properties (such as structural, functional, and spatial information, amino acid conservation, physicochemical variation, residue mobility, and thermodynamic stability) indicates that this missense variant is not expected to disrupt GYS1 protein function with a negative predictive value of 80%. In summary, the available evidence is currently insufficient to determine the role of this variant in disease. Therefore, it has been classified as a Variant of Uncertain Significance.

Ambry Genetics
Classification: Uncertain significance for Inborn genetic diseases. Last evaluated: 2025-05-18. Review status: criteria provided, single submitter. Criteria: Ambry Variant Classification Scheme 2023. Collection method: clinical testing. Allele origin: germline.